The following is an entry in ClinVar:

ClinVar aggregate classification (germline): Uncertain significance (1 of 4 stars; one submission).

Conditions:
Chuvash polycythemia. Also called: POLYCYTHEMIA, VHL-DEPENDENT. Identifiers: Orphanet 238557, MedGen C1837915, MONDO:0009892, OMIM 263400.
Von Hippel-Lindau syndrome (VHLS). Also called: von Hippel–Lindau syndrome; VHL syndrome; Von Hippel-Lindau. Identifiers: Orphanet 892, MedGen C0019562, MONDO:0008667, OMIM 193300. Disease mechanism: loss of function.

Submission:

Labcorp Genetics (formerly Invitae), Labcorp
Classification: Uncertain significance for Von Hippel-Lindau syndrome; Chuvash polycythemia. Last evaluated: 2024-09-16. Review status: criteria provided, single submitter. Criteria: Invitae Variant Classification Sherloc (09022015). Collection method: clinical testing. Allele origin: germline.
Comment: This sequence change falls in intron 1 of the VHL gene. It is not expected to change the encoded amino acid sequence of the VHL protein. However, this sequence change falls within a cryptic exon in the VHL gene, known as exon E1’, which is naturally expressed at low levels in several human tissues (PMID: 29891534). This variant is not present in population databases (gnomAD no frequency). This variant has not been reported in the literature in individuals affected with VHL-related conditions. ClinVar contains an entry for this variant (Variation ID: 2088413). Algorithms developed to predict the effect of sequence changes on RNA splicing suggest that this variant is not likely to affect RNA splicing. In summary, the available evidence is currently insufficient to determine the role of this variant in disease. Therefore, it has been classified as a Variant of Uncertain Significance.

Literature cited by the submitters: PubMed 29891534.

NM_000551.4(VHL):c.340+637C>T

Genes: VHL (von Hippel-Lindau tumor suppressor; plus strand), LOC107303340 (3p25 von Hippel-Lindau tumor suppressor, E3 ubiquitin protein ligase Alu-mediated recombination region; plus strand). Cytogenetic location: 3p25.3.
Variant type: single nucleotide variant.
Coding change: c.340+637C>T on transcript NM_000551.4 (MANE Select); 637 bases into the intron after coding-DNA position 340, C replaced by T.
Molecular consequence: intron variant. On other transcripts: synonymous variant (1), non-coding transcript variant (1).
Genome position (GRCh38, 1-based): chr3:10,142,824, C>T. VCF-style: chr3-10142824-C-T. GRCh37 (hg19) VCF-style: chr3-10184508-C-T.
Other names: c.402C>T, p.Leu134= (NM_001354723.2); c.340+637C>T (NM_198156.3).
Identifiers: ClinVar variation 2088413 (VCV002088413.4), dbSNP rs1696159418, ClinGen allele CA2580068424.